The following is an entry in ClinVar:

ClinVar aggregate classification (germline): Pathogenic (1 of 4 stars; one submission).

Allele frequency attached by ClinVar (database versions not stated): gnomAD exomes below 0.00001; gnomAD 0.00001; TOPMed 0.00001.

Submission:

Labcorp Genetics (formerly Invitae), Labcorp
Classification: Pathogenic. Last evaluated: 2023-02-01. Review status: criteria provided, single submitter. Criteria: Invitae Variant Classification Sherloc (09022015). Collection method: clinical testing. Allele origin: germline.
Comment: This variant is not present in population databases (gnomAD no frequency). This sequence change creates a premature translational stop signal (p.Ile272Metfs*5) in the POP1 gene. It is expected to result in an absent or disrupted protein product. Loss-of-function variants in POP1 are known to be pathogenic (PMID: 21455487). This variant has not been reported in the literature in individuals affected with POP1-related conditions. For these reasons, this variant has been classified as Pathogenic.

Literature cited by the submitters: PubMed 21455487.

NM_001145860.2(POP1):c.816del (p.Ile272fs)

Gene: POP1 (POP1 ribonuclease P/MRP subunit; plus strand). Cytogenetic location: 8q22.2.
Variant type: Deletion.
Coding change: c.816del on transcript NM_001145860.2 (MANE Select); coding-DNA position 816, one base deleted (A; older notation c.816delA).
Protein change: p.Ile272fs; shifts the reading frame from isoleucine 272.
Molecular consequence: frameshift variant.
Genome position (GRCh38, 1-based): chr8:98,134,029, A deleted. VCF-style (leftmost placement, unchanged base first): chr8-98134028-TA-T. GRCh37 (hg19) VCF-style: chr8-99146256-TA-T.
Other names: c.816del, p.Ile272fs (NM_001145861.2, NM_015029.3); short protein forms I272fs.
Identifiers: ClinVar variation 2960960 (VCV002960960.3), dbSNP rs1383235943, ClinGen allele CA857439017.
Genomic context (GRCh38, chr8:98,134,028, plus strand): 5'-GTTTGGAGTTGAAAGGCAAAGAGGAAGAAATACTAAAGGCGCTTTCTGGAATGTGTAACA[TA>T]GACACAGGTAAACTTGTTTTAAAGCTGAGTTCTATTTTAGTCTATGTATATTTATTCATT-3'